The following is an entry in ClinVar:

NM_004304.5(ALK):c.4705G>A (p.Val1569Ile)

Gene: ALK (ALK receptor tyrosine kinase; minus strand). Cytogenetic location: 2p23.2.
Variant type: single nucleotide variant.
Coding change: c.4705G>A on transcript NM_004304.5 (MANE Select); coding-DNA position 4705, G replaced by A.
Protein change: p.Val1569Ile; replaces valine 1569 with isoleucine.
Molecular consequence: missense variant.
Genome position (GRCh38, 1-based): chr2:29,193,382, C>T on the plus strand (G>A on the coding strand, the complement: ALK is on the minus strand). VCF-style: chr2-29193382-C-T. GRCh37 (hg19) VCF-style: chr2-29416248-C-T.
Other names: c.4705G>A (NM_004304.4); c.1501G>A, p.Val501Ile (NM_001353765.2); short protein forms V1569I, V501I.
Identifiers: ClinVar variation 2164536 (VCV002164536.5), dbSNP rs1021483040, ClinGen allele CA44634731.

ClinVar aggregate classification (germline): Uncertain significance. Review status: criteria provided, multiple submitters, no conflicts (2 of 4 stars). 2 submissions from 2 submitters: Uncertain significance (2). Last evaluated 2025-10-15.

Conditions:
Hereditary cancer-predisposing syndrome. Also called: Neoplastic Syndromes, Hereditary; Hereditary neoplastic syndrome; Hereditary Cancer Syndrome; Tumor predisposition. Identifiers: Orphanet 140162, MedGen C0027672, MeSH D009386, MONDO:0015356.
Neuroblastoma, susceptibility to, 3. Also called: ALK-Related Neuroblastic Tumor Susceptibility. Identifiers: Orphanet 635, MedGen C2751681, MONDO:0013083, OMIM 613014.

Allele frequency attached by ClinVar (database versions not stated): gnomAD exomes below 0.00001.
gnomAD v4.1: 2 of 1,614,146 alleles (0.00012%); highest among the groups gnomAD compares: African/African-American, 0.0013%; no homozygotes.

Submissions (2):

Ambry Genetics
Classification: Uncertain significance for Hereditary cancer-predisposing syndrome. Last evaluated: 2025-10-15. Review status: criteria provided, single submitter. Criteria: Ambry Variant Classification Scheme 2023. Collection method: clinical testing. Allele origin: germline.
Comment: The p.V1569I variant (also known as c.4705G>A), located in coding exon 29 of the ALK gene, results from a G to A substitution at nucleotide position 4705. The valine at codon 1569 is replaced by isoleucine, an amino acid with highly similar properties. This amino acid position is conserved. In addition, this alteration is predicted to be tolerated by in silico analysis. Based on the available evidence, the clinical significance of this variant remains unclear.

Labcorp Genetics (formerly Invitae), Labcorp
Classification: Uncertain significance for Neuroblastoma, susceptibility to, 3. Last evaluated: 2024-05-02. Review status: criteria provided, single submitter. Criteria: Invitae Variant Classification Sherloc (09022015). Collection method: clinical testing. Allele origin: germline.
Comment: This sequence change replaces valine, which is neutral and non-polar, with isoleucine, which is neutral and non-polar, at codon 1569 of the ALK protein (p.Val1569Ile). This variant is not present in population databases (gnomAD no frequency). This variant has not been reported in the literature in individuals affected with ALK-related conditions. ClinVar contains an entry for this variant (Variation ID: 2164536). An algorithm developed to predict the effect of missense changes on protein structure and function (PolyPhen-2) suggests that this variant is likely to be disruptive. In summary, the available evidence is currently insufficient to determine the role of this variant in disease. Therefore, it has been classified as a Variant of Uncertain Significance.